The following is an entry in ClinVar:

NM_001035.3(RYR2):c.2972_2973inv (p.Ser991Leu)

Gene: RYR2 (ryanodine receptor 2; plus strand). Cytogenetic location: 1q43.
Variant type: Inversion.
Coding change: c.2972_2973inv on transcript NM_001035.3 (MANE Select).
Protein change: p.Ser991Leu; replaces serine 991 with leucine.
Molecular consequence: missense variant.
Genome position: GRCh38 VCF-style: chr1-237548496-CA-TG. GRCh37 (hg19) VCF-style: chr1-237711796-CA-TG.
Other names: c.2972_2973delinsTG (NM_001035.3); short protein forms S991L.
Identifiers: ClinVar variation 1798296 (VCV001798296.9), ClinGen allele CA2580062462.
Genomic context (GRCh38, chr1:237,548,496, plus strand): 5'-AGCTGACAAGTGGATACAAGCCTGCCCCTATGGACCTGAGCTTTATCAAACTCACCCCAT[CA>TG]CAAGAAGCAATGGTGGACAAGTTGGCAGAAAATGCACATAATGTGTGGGCGCGGGATCGA-3'
Protein context (NP_001026.2, residues 981-1001): MDLSFIKLTP[Ser991Leu]QEAMVDKLAE

ClinVar aggregate classification (germline): Uncertain significance. Review status: criteria provided, multiple submitters, no conflicts (2 of 4 stars). 3 submissions from 3 submitters: Uncertain significance (3). Last evaluated 2025-10-28.

Conditions:
Catecholaminergic polymorphic ventricular tachycardia 1. Also called: VENTRICULAR TACHYCARDIA, CATECHOLAMINERGIC POLYMORPHIC, 1, WITH OR WITHOUT ATRIAL DYSFUNCTION AND/OR DILATED CARDIOMYOPATHY; RYR2-Related Catecholaminergic Polymorphic Ventricular Tachycardia; VENTRICULAR TACHYCARDIA, STRESS-INDUCED POLYMORPHIC 1. Identifiers: Orphanet 3286, MedGen C1631597, MONDO:0011484, OMIM 604772.
Cardiomyopathy (CMYO). Also called: Cardiomyopathies. Identifiers: Orphanet 167848, MedGen C0878544, MONDO:0004994, HP:0001638. Inheritance: Various modes of inheritance.
Cardiovascular phenotype. Identifiers: MedGen CN230736.

Submissions (3):

Ambry Genetics
Classification: Uncertain significance for Cardiovascular phenotype. Last evaluated: 2025-10-28. Review status: criteria provided, single submitter. Criteria: Ambry Variant Classification Scheme 2023. Collection method: clinical testing. Allele origin: germline.
Comment: The c.2972_2973delCAinsTG variant (also known as p.S991L), located in coding exon 26 of the RYR2 gene, results from an in-frame deletion of CA and insertion of TG at nucleotide positions 2972 to 2973. This results in the substitution of the serine residue for a leucine residue at codon 991, an amino acid with dissimilar properties. This amino acid position is not well conserved in available vertebrate species. In addition, the in silico prediction for this alteration is inconclusive. Based on the available evidence, the clinical significance of this variant remains unclear.

Labcorp Genetics (formerly Invitae), Labcorp
Classification: Uncertain significance for Catecholaminergic polymorphic ventricular tachycardia 1. Last evaluated: 2025-08-21. Review status: criteria provided, single submitter. Criteria: Invitae Variant Classification Sherloc (09022015). Collection method: clinical testing. Allele origin: germline.
Comment: This sequence change replaces serine, which is neutral and polar, with leucine, which is neutral and non-polar, at codon 991 of the RYR2 protein (p.Ser991Leu). Information on the frequency of this variant in the gnomAD database is not available, as this variant may be reported differently in the database. This missense change has been observed in individual(s) with clinical features of RYR2-related conditions (PMID: 32522011). ClinVar contains an entry for this variant (Variation ID: 1798296). An algorithm developed to predict the effect of missense changes on protein structure and function (PolyPhen-2) suggests that this variant is likely to be tolerated. In summary, the available evidence is currently insufficient to determine the role of this variant in disease. Therefore, it has been classified as a Variant of Uncertain Significance.

Color Diagnostics, LLC DBA Color Health
Classification: Uncertain significance for Cardiomyopathy. Last evaluated: 2025-07-25. Review status: criteria provided, single submitter. Criteria: ACMG Guidelines, 2015. Collection method: clinical testing. Allele origin: germline.
Comment: This missense variant replaces serine with leucine at codon 991 of the RYR2 protein. To our knowledge, functional studies have not been reported for this variant. This variant has not been reported in individuals affected with RYR2-related disorders in the literature. This variant has not been identified in the general population by the Genome Aggregation Database (gnomAD). The available evidence is insufficient to determine the role of this variant in disease conclusively. Therefore, this variant is classified as a Variant of Uncertain Significance.

Literature cited by the submitters: PubMed 32522011 (cited by Ambry Genetics and Labcorp Genetics (formerly Invitae), Labcorp).